The following is an entry in ClinVar:

NM_021074.5(NDUFV2):c.183+4T>C

Gene: NDUFV2 (NADH:ubiquinone oxidoreductase core subunit V2; plus strand). Cytogenetic location: 18p11.22.
Variant type: single nucleotide variant.
Coding change: c.183+4T>C on transcript NM_021074.5 (MANE Select); 4 bases into the intron after coding-DNA position 183, T replaced by C.
Molecular consequence: intron variant.
Genome position (GRCh38, 1-based): chr18:9,119,392, T>C. VCF-style: chr18-9119392-T-C. GRCh37 (hg19) VCF-style: chr18-9119390-T-C.
Other names: c.183+4T>C (NM_021074.4).
Identifiers: ClinVar variation 2070172 (VCV002070172.5), dbSNP rs370594505, ClinGen allele CA8887138.

ClinVar aggregate classification (germline): Uncertain significance. Review status: criteria provided, single submitter (1 of 4 stars). 2 submissions from 2 submitters: Uncertain significance (1). 1 of the submissions does not count toward it. Last evaluated 2022-05-25.

Conditions:
NDUFV2-related disorder. Also called: NDUFV2-related condition.

Allele frequency attached by ClinVar (database versions not stated): gnomAD exomes 0.00003; ExAC 0.00007; 1000 Genomes Project 30x 0.00031; ESP Exome Variant Server 0.00031; gnomAD 0.00031; TOPMed 0.00033.
gnomAD v4.1: 91 of 1,608,238 alleles (0.0057%); highest among the groups gnomAD compares: African/African-American, 0.11%; no homozygotes.

Submissions (2):

Labcorp Genetics (formerly Invitae), Labcorp
Classification: Uncertain significance. Last evaluated: 2022-05-25. Review status: criteria provided, single submitter. Criteria: Invitae Variant Classification Sherloc (09022015). Collection method: clinical testing. Allele origin: germline.
Comment: Variants that disrupt the consensus splice site are a relatively common cause of aberrant splicing (PMID: 17576681, 9536098). Algorithms developed to predict the effect of sequence changes on RNA splicing suggest that this variant is not likely to affect RNA splicing. In summary, the available evidence is currently insufficient to determine the role of this variant in disease. Therefore, it has been classified as a Variant of Uncertain Significance. This variant has not been reported in the literature in individuals affected with NDUFV2-related conditions. This sequence change falls in intron 3 of the NDUFV2 gene. It does not directly change the encoded amino acid sequence of the NDUFV2 protein. It affects a nucleotide within the consensus splice site. This variant is present in population databases (rs370594505, gnomAD 0.09%).

PreventionGenetics, part of Exact Sciences
Classification: Likely benign for NDUFV2-related condition. Last evaluated: 2020-07-14. Review status: no assertion criteria provided. Collection method: clinical testing. Allele origin: germline. Not counted in ClinVar's aggregate classification.
Comment: This variant is classified as likely benign based on ACMG/AMP sequence variant interpretation guidelines (Richards et al. 2015 PMID: 25741868, with internal and published modifications).

Literature cited by the submitters: PubMed 17576681 (cited by Labcorp Genetics (formerly Invitae), Labcorp); PubMed 9536098 (cited by Labcorp Genetics (formerly Invitae), Labcorp).